The following is an entry in ClinVar:

ClinVar aggregate classification (germline): Uncertain significance. Review status: criteria provided, multiple submitters, no conflicts (2 of 4 stars). 2 submissions from 2 submitters: Uncertain significance (2). Last evaluated 2025-06-15.

Conditions:
Inborn genetic diseases. Identifiers: MedGen C0950123, MeSH D030342.

gnomAD v4.1: 9 of 1,612,848 alleles (0.00056%); highest among the groups gnomAD compares: African/African-American, 0.0027%; no homozygotes.

Submissions (2):

GeneDx
Classification: Uncertain significance. Last evaluated: 2025-06-15. Review status: criteria provided, single submitter. Criteria: GeneDx Variant Classification Process June 2021. Collection method: clinical testing. Allele origin: germline. Affected: yes.
Comment: Not observed at significant frequency in large population cohorts (gnomAD); In silico analysis suggests that this missense variant does not alter protein structure/function; Has not been previously published as pathogenic or benign to our knowledge

Ambry Genetics
Classification: Uncertain significance for Inborn genetic diseases. Last evaluated: 2024-09-03. Review status: criteria provided, single submitter. Criteria: Ambry Variant Classification Scheme 2023. Collection method: clinical testing. Allele origin: germline.

NM_005559.4(LAMA1):c.1213C>G (p.Leu405Val)

Gene: LAMA1 (laminin subunit alpha 1; minus strand). Cytogenetic location: 18p11.31.
Variant type: single nucleotide variant.
Coding change: c.1213C>G on transcript NM_005559.4 (MANE Select); coding-DNA position 1213, C replaced by G.
Protein change: p.Leu405Val; replaces leucine 405 with valine.
Molecular consequence: missense variant.
Genome position (GRCh38, 1-based): chr18:7,042,193, G>C on the plus strand (C>G on the coding strand, the complement: LAMA1 is on the minus strand). VCF-style: chr18-7042193-G-C. GRCh37 (hg19) VCF-style: chr18-7042192-G-C.
Other names: short protein forms L405V.
Identifiers: ClinVar variation 3536846 (VCV003536846.2).
Genomic context (GRCh38, chr18:7,042,193, plus strand): 5'-TCAAGTACTTACCATTGTGTAAGTCAGAATGGAGGTCATCCTTAATACAGACAGAACTGA[G>C]GGACCCCACAGGGTCACAATTACAGGGGCGGCAAGGCTCATCCTCATAAGGAGACACCTG-3'
Protein context (NP_005550.2, residues 395-415): RPCNCDPVGS[Leu405Val]SSVCIKDDLH